The following is an entry in ClinVar:

NM_014363.6(SACS):c.10954C>A (p.Pro3652Thr)

Gene: SACS (sacsin molecular chaperone; minus strand). Cytogenetic location: 13q12.12.
Variant type: single nucleotide variant.
Coding change: c.10954C>A on transcript NM_014363.6 (MANE Select); coding-DNA position 10954, C replaced by A.
Protein change: p.Pro3652Thr; replaces proline 3652 with threonine.
Molecular consequence: missense variant.
Genome position (GRCh38, 1-based): chr13:23,332,922, G>T on the plus strand (C>A on the coding strand, the complement: SACS is on the minus strand). VCF-style: chr13-23332922-G-T. GRCh37 (hg19) VCF-style: chr13-23907061-G-T.
Other names: p.Pro3652Thr; c.10513C>A, p.Pro3505Thr (NM_001278055.2); short protein forms P3652T, P3505T.
Identifiers: ClinVar variation 411693 (VCV000411693.11), dbSNP rs201505036, ClinGen allele CA6910364.

ClinVar aggregate classification (germline): Conflicting classifications of pathogenicity. Review status: criteria provided, conflicting classifications (1 of 4 stars). 5 submissions from 5 submitters: Likely pathogenic (1); Uncertain significance (2); Likely benign (1). 1 of the submissions does not count toward it. Last evaluated 2025-08-11.

Conditions:
Spastic paraplegia. Identifiers: MedGen C0037772, HP:0001258.
Charlevoix-Saguenay spastic ataxia (SACS). Also called: AUTOSOMAL RECESSIVE SPASTIC ATAXIA OF CHARLEVOIX-SAGUENAY; Spastic ataxia of Charlevoix-Saguenay; SPASTIC ATAXIA 6, AUTOSOMAL RECESSIVE. Identifiers: Orphanet 98, MedGen C1849140, MONDO:0010041, OMIM 270550.

Allele frequency attached by ClinVar (database versions not stated): gnomAD 0.00006 and 0.00007; gnomAD exomes 0.00007 and 0.00004; 1000 Genomes Project 30x 0.00016; 1000 Genomes Project 0.00020; TOPMed 0.00004; ExAC 0.00006.
gnomAD v4.1: 105 of 1,613,906 alleles (0.0065%); highest among the groups gnomAD compares: Non-Finnish European, 0.0087%; no homozygotes.

Submissions (5):

Labcorp Genetics (formerly Invitae), Labcorp
Classification: Likely benign for Spastic paraplegia. Last evaluated: 2025-08-11. Review status: criteria provided, single submitter. Criteria: Invitae Variant Classification Sherloc (09022015). Collection method: clinical testing. Allele origin: germline.

Athena Diagnostics
Classification: Uncertain significance. Last evaluated: 2023-03-17. Review status: criteria provided, single submitter. Criteria: Athena Diagnostics Criteria. Collection method: clinical testing. Allele origin: unknown.
Comment: Available data are insufficient to determine the clinical significance of the variant at this time. The frequency of this variant in the general population is uninformative in assessment of its pathogenicity. Computational tools disagree on the variant's effect on normal protein function.

Mayo Clinic Laboratories, Mayo Clinic
Classification: Uncertain significance. Last evaluated: 2022-12-30. Review status: criteria provided, single submitter. Criteria: ACMG Guidelines, 2015. Collection method: clinical testing. Allele origin: germline. Observed: 1 variant allele.
Comment: PM2

PROSPAX: an integrated multimodal progression  chart in spastic ataxias, Center for Neurology; Hertie-Institute for Clinical Brain Research
Classification: Likely pathogenic for Charlevoix-Saguenay spastic ataxia. Last evaluated: 2022-01-01. Review status: criteria provided, single submitter. Criteria: ACMG Guidelines, 2015. Collection method: research. Allele origin: germline. Affected: yes.
Comment: Variant seen in compound het: [c.10954C>A;c.11185C>T;c.10907G>A]

Natera, Inc.
Classification: Uncertain significance for Charlevoix-Saguenay type spastic ataxia. Last evaluated: 2020-08-01. Review status: no assertion criteria provided. Collection method: clinical testing. Allele origin: germline. Not counted in ClinVar's aggregate classification.

Literature cited by the submitters: PubMed 20876471 (cited by Athena Diagnostics and Mayo Clinic Laboratories, Mayo Clinic); PubMed 23280630 (cited by Athena Diagnostics and Mayo Clinic Laboratories, Mayo Clinic); PubMed 28535259 (cited by Athena Diagnostics and Mayo Clinic Laboratories, Mayo Clinic); PubMed 34816117 (cited by Athena Diagnostics and Mayo Clinic Laboratories, Mayo Clinic); PubMed 34649874 (cited by Athena Diagnostics and Mayo Clinic Laboratories, Mayo Clinic); PubMed 32816195 (cited by Athena Diagnostics and Mayo Clinic Laboratories, Mayo Clinic); PubMed 34121011 (cited by Mayo Clinic Laboratories, Mayo Clinic).